The following is an entry in ClinVar:

ClinVar aggregate classification (germline): Uncertain significance (1 of 4 stars; one submission).

Submission:

GeneDx
Classification: Uncertain significance. Last evaluated: 2024-09-23. Review status: criteria provided, single submitter. Criteria: GeneDx Variant Classification Process June 2021. Collection method: clinical testing. Allele origin: germline. Affected: yes.
Comment: Not observed at significant frequency in large population cohorts (gnomAD); In silico analysis indicates that this missense variant does not alter protein structure/function; Has not been previously published as pathogenic or benign to our knowledge

NM_001378778.1(MPDZ):c.3794G>A (p.Ser1265Asn)

Gene: MPDZ (multiple PDZ domain crumbs cell polarity complex component; minus strand). Cytogenetic location: 9p23.
Variant type: single nucleotide variant.
Coding change: c.3794G>A on transcript NM_001378778.1 (MANE Select); coding-DNA position 3794, G replaced by A.
Protein change: p.Ser1265Asn; replaces serine 1265 with asparagine.
Molecular consequence: missense variant. On other transcripts: intron variant (14).
Genome position (GRCh38, 1-based): chr9:13,143,512, C>T on the plus strand (G>A on the coding strand, the complement: MPDZ is on the minus strand). VCF-style: chr9-13143512-C-T. GRCh37 (hg19) VCF-style: chr9-13143511-C-T.
Other names: c.3794G>A, p.Ser1265Asn (NM_001330637.2, NM_001375413.1, NM_003829.5); c.3631-3363G>A (NM_001375425.1, NM_001375420.1, NM_001375423.1 and 4 more transcripts); c.3742-3363G>A (NM_001375419.1, NM_001375416.1, NM_001375418.1 and 3 more transcripts); c.3433-3363G>A (NM_001375427.1); short protein forms S1265N.
Identifiers: ClinVar variation 3773959 (VCV003773959.1).